The following is an entry in ClinVar:

ClinVar aggregate classification (germline): Benign/Likely benign. Review status: criteria provided, multiple submitters, no conflicts (2 of 4 stars). 7 submissions from 7 submitters: Benign (2); Likely benign (2). 3 of the submissions do not count toward it. Last evaluated 2026-01-28.

Conditions:
ABCC6-related disorder. Also called: ABCC6-related condition.
Autosomal recessive inherited pseudoxanthoma elasticum (PXE). Identifiers: Orphanet 758, MedGen CN032334, MONDO:0009925, OMIM 264800.
Pseudoxanthoma elasticum, forme fruste. Also called: PSEUDOXANTHOMA ELASTICUM, HETEROZYGOUS; Pseudoxanthoma Elasticum, Incomplete. Identifiers: Orphanet 758, MedGen C1867450, MONDO:0008333, OMIM 177850.
Arterial calcification, generalized, of infancy, 2. Identifiers: Orphanet 51608, MedGen C3276161, MONDO:0013768, OMIM 614473.

Allele frequency attached by ClinVar (database versions not stated): gnomAD 0.00153 and 0.00156; ESP Exome Variant Server 0.00154; TOPMed 0.00155; 1000 Genomes Project 30x 0.00312; 1000 Genomes Project 0.00319.
gnomAD v4.1: 927 of 1,613,970 alleles (0.057%); highest among the groups gnomAD compares: African/African-American, 0.54%; 3 homozygotes.

Submissions (7):

Labcorp Genetics (formerly Invitae), Labcorp
Classification: Benign. Last evaluated: 2026-01-28. Review status: criteria provided, single submitter. Criteria: Invitae Variant Classification Sherloc (09022015). Collection method: clinical testing. Allele origin: germline.

Blueprint Genetics
Classification: Likely benign. Last evaluated: 2024-11-26. Review status: criteria provided, single submitter. Criteria: ACMG Guidelines, 2015. Collection method: clinical testing. Allele origin: germline.

Fulgent Genetics
Classification: Likely benign for Pseudoxanthoma elasticum, forme fruste; Autosomal recessive inherited pseudoxanthoma elasticum; Arterial calcification, generalized, of infancy, 2. Last evaluated: 2021-09-22. Review status: criteria provided, single submitter. Criteria: ACMG Guidelines, 2015. Collection method: clinical testing. Allele origin: unknown.

Breakthrough Genomics
Classification: Benign. Review status: criteria provided, single submitter. Criteria: ACMG Guidelines, 2015. Collection method: not provided. Allele origin: germline. Inheritance: Autosomal recessive inheritance. Affected: yes.

PreventionGenetics, part of Exact Sciences
Classification: Likely benign for ABCC6-related condition. Last evaluated: 2019-10-16. Review status: no assertion criteria provided. Collection method: clinical testing. Allele origin: germline. Not counted in ClinVar's aggregate classification.
Comment: This variant is classified as likely benign based on ACMG/AMP sequence variant interpretation guidelines (Richards et al. 2015 PMID: 25741868, with internal and published modifications).

Clinical Genetics DNA and cytogenetics Diagnostics Lab, Erasmus MC, Erasmus Medical Center
Classification: Likely benign. Review status: no assertion criteria provided. Collection method: clinical testing. Allele origin: germline. Affected: yes. Study: VKGL Data-share Consensus. Not counted in ClinVar's aggregate classification.

Clinical Genetics, Academic Medical Center
Classification: Benign. Review status: no assertion criteria provided. Collection method: clinical testing. Allele origin: germline. Affected: yes. Study: VKGL Data-share Consensus. Not counted in ClinVar's aggregate classification.

NM_001171.6(ABCC6):c.2781C>T (p.Tyr927=)

Gene: ABCC6 (ATP binding cassette subfamily C member 6; minus strand). Cytogenetic location: 16p13.11.
Variant type: single nucleotide variant.
Coding change: c.2781C>T on transcript NM_001171.6 (MANE Select); coding-DNA position 2781, C replaced by T.
Protein change: p.Tyr927=; no amino-acid change (tyrosine 927 retained).
Molecular consequence: synonymous variant. On other transcripts: non-coding transcript variant (1).
Genome position (GRCh38, 1-based): chr16:16,173,290, G>A on the plus strand (C>T on the coding strand, the complement: ABCC6 is on the minus strand). VCF-style: chr16-16173290-G-A. GRCh37 (hg19) VCF-style: chr16-16267147-G-A.
Other names: c.2439C>T, p.Tyr813= (NM_001351800.1).
Identifiers: ClinVar variation 710345 (VCV000710345.19), dbSNP rs61731973, ClinGen allele CA7925797.